The following is an entry in ClinVar:

ClinVar aggregate classification (germline): Uncertain significance. Review status: criteria provided, multiple submitters, no conflicts (2 of 4 stars). 3 submissions from 3 submitters: Uncertain significance (3). Last evaluated 2025-05-13.

Conditions:
Melanoma, cutaneous malignant, susceptibility to, 1 (CMM1). Also called: FAMILIAL ATYPICAL MOLE-MALIGNANT MELANOMA SYNDROME; MELANOMA, MALIGNANT; DYSPLASTIC NEVUS SYNDROME, HEREDITARY; B-K MOLE SYNDROME. Identifiers: Orphanet 618, MedGen C1835047, MONDO:0007963, OMIM 155600.
Hereditary cancer-predisposing syndrome. Also called: Hereditary Cancer Syndrome; Neoplastic Syndromes, Hereditary; Hereditary neoplastic syndrome; Tumor predisposition. Identifiers: Orphanet 140162, MedGen C0027672, MeSH D009386, MONDO:0015356.
Peutz-Jeghers syndrome (PJS). Also called: Peutz-Jeghers polyposis; Periorificial lentiginosis syndrome; POLYPOSIS, HAMARTOMATOUS INTESTINAL; POLYPS-AND-SPOTS SYNDROME. Identifiers: Orphanet 2869, MedGen C0031269, MeSH D010580, MONDO:0008280, OMIM 175200.

Submissions (3):

Ambry Genetics
Classification: Uncertain significance for Hereditary cancer-predisposing syndrome. Last evaluated: 2025-05-13. Review status: criteria provided, single submitter. Criteria: Ambry Variant Classification Scheme 2023. Collection method: clinical testing. Allele origin: germline.
Comment: The c.692_694delTCT variant (also known as p.F231del) is located in coding exon 5 of the STK11 gene. This variant results from an in-frame TCT deletion at nucleotide positions 692 to 694. This results in the in-frame deletion of a phenylalanine at codon 231. This amino acid position is highly conserved in available vertebrate species. In addition, this variant is predicted to be deleterious by in silico analysis (Choi Y et al. PLoS ONE. 2012; 7(10):e46688). Based on the available evidence, the clinical significance of this variant remains unclear.

Baylor Genetics
Classification: Uncertain significance for Melanoma, cutaneous malignant, susceptibility to, 1. Last evaluated: 2023-06-06. Review status: criteria provided, single submitter. Criteria: ACMG Guidelines, 2015. Collection method: clinical testing. Allele origin: unknown.

Labcorp Genetics (formerly Invitae), Labcorp
Classification: Uncertain significance for Peutz-Jeghers syndrome. Last evaluated: 2022-04-19. Review status: criteria provided, single submitter. Criteria: Invitae Variant Classification Sherloc (09022015). Collection method: clinical testing. Allele origin: germline.
Comment: In summary, the available evidence is currently insufficient to determine the role of this variant in disease. Therefore, it has been classified as a Variant of Uncertain Significance. Experimental studies and prediction algorithms are not available or were not evaluated, and the functional significance of this variant is currently unknown. This variant has not been reported in the literature in individuals affected with STK11-related conditions. This variant is not present in population databases (gnomAD no frequency). This variant, c.692_694del, results in the deletion of 1 amino acid(s) of the STK11 protein (p.Phe231del), but otherwise preserves the integrity of the reading frame.

NM_000455.5(STK11):c.692_694del (p.Phe231del)

Gene: STK11 (serine/threonine kinase 11; plus strand). Cytogenetic location: 19p13.3.
Variant type: Deletion.
Coding change: c.692_694del on transcript NM_000455.5 (MANE Select); coding-DNA positions 692 to 694, 3 bases deleted (TCT; older notation c.692_694delTCT).
Protein change: p.Phe231del; deletes phenylalanine 231.
Molecular consequence: inframe deletion. On other transcripts: inframe indel (1).
Genome position (GRCh38, 1-based): chr19:1,220,675-1,220,677, TCT deleted; deleting any 3 consecutive bases within chr19:1,220,673-1,220,677 gives the same sequence; the c. name uses the placement nearest the transcript's 3' end. VCF-style (leftmost placement, unchanged base first): chr19-1220672-CCTT-C. GRCh37 (hg19) VCF-style: chr19-1220671-CCTT-C.
Other names: c.692_694delTCT, p.Phe231del (NM_001407255.1); short protein forms F231del.
Identifiers: ClinVar variation 2127903 (VCV002127903.6), dbSNP rs2512943677, ClinGen allele CA2580096092.